The following is an entry in ClinVar:

ClinVar aggregate classification (germline): Benign/Likely benign. Review status: criteria provided, multiple submitters, no conflicts (2 of 4 stars). 4 submissions from 4 submitters: Benign (1); Likely benign (3). Last evaluated 2024-12-12.

Conditions:
Hereditary cancer-predisposing syndrome. Also called: Tumor predisposition; Neoplastic Syndromes, Hereditary; Hereditary Cancer Syndrome; Hereditary neoplastic syndrome. Identifiers: Orphanet 140162, MedGen C0027672, MeSH D009386, MONDO:0015356.
Familial cancer of breast. Also called: BREAST CANCER, FAMILIAL; hereditary breast carcinoma; Hereditary breast cancer. Identifiers: Orphanet 227535, MedGen C0346153, MONDO:0016419, OMIM 114480. Disease mechanism: loss of function.
Ataxia-telangiectasia syndrome (AT). Also called: Ataxia-telangiectasia; Ataxia-telangiectasia, complementation group D; AT, COMPLEMENTATION GROUP C; LOUIS-BAR SYNDROME; Cerebello-oculocutaneous telangiectasia; Immunodeficiency with ataxia telangiectasia. Identifiers: Orphanet 100, MedGen C0004135, MONDO:0008840, OMIM 208900.

Submissions (4):

Labcorp Genetics (formerly Invitae), Labcorp
Classification: Likely benign for Ataxia-telangiectasia syndrome. Last evaluated: 2024-12-12. Review status: criteria provided, single submitter. Criteria: Invitae Variant Classification Sherloc (09022015). Collection method: clinical testing. Allele origin: germline.

Ambry Genetics
Classification: Likely benign for Hereditary cancer-predisposing syndrome. Last evaluated: 2024-11-25. Review status: criteria provided, single submitter. Criteria: Ambry Variant Classification Scheme 2023. Collection method: clinical testing. Allele origin: germline.

Myriad Genetics, Inc.
Classification: Benign for Familial cancer of breast. Last evaluated: 2024-04-16. Review status: criteria provided, single submitter. Criteria: Myriad Autosomal Dominant, Autosomal Recessive and X-Linked Classification Criteria (2023). Collection method: clinical testing. Allele origin: unknown.
Comment: This variant is considered benign. This variant is a silent/synonymous amino acid change and it is not expected to impact splicing.

Color Diagnostics, LLC DBA Color Health
Classification: Likely benign for Hereditary cancer-predisposing syndrome. Last evaluated: 2017-10-31. Review status: criteria provided, single submitter. Criteria: ACMG Guidelines, 2015. Collection method: clinical testing. Allele origin: germline.

NM_000051.4(ATM):c.9A>G (p.Leu3=)

Gene: ATM (ATM serine/threonine kinase; plus strand). Cytogenetic location: 11q22.3.
Variant type: single nucleotide variant.
Coding change: c.9A>G on transcript NM_000051.4 (MANE Select); coding-DNA position 9, A replaced by G.
Protein change: p.Leu3=; no amino-acid change (leucine 3 retained).
Molecular consequence: synonymous variant.
Genome position (GRCh38, 1-based): chr11:108,227,633, A>G. VCF-style: chr11-108227633-A-G. GRCh37 (hg19) VCF-style: chr11-108098360-A-G.
Other names: c.9A>G, p.Leu3= (NM_001351834.2, NM_001351835.2, NM_001351836.2).
Identifiers: ClinVar variation 490760 (VCV000490760.13), dbSNP rs1555053869, ClinGen allele CA476667935.
Genomic context (GRCh38, chr11:108,227,633, plus strand): 5'-CCTATATGTATTTTTTTTACAGACAGTGATGTGTGTTCTGAAATTGTGAACCATGAGTCT[A>G]GTACTTAATGATCTGCTTATCTGCTGCCGTCAACTAGAACATGATAGAGCTACAGAACGA-3'
Protein context (NP_000042.3, residues 1-13): MS[Leu3=]VLNDLLICCR